The following is an entry in ClinVar:

NM_023036.6(DNAI2):c.1402G>A (p.Ala468Thr)

Gene: DNAI2 (dynein axonemal intermediate chain 2; plus strand). Cytogenetic location: 17q25.1.
Variant type: single nucleotide variant.
Coding change: c.1402G>A on transcript NM_023036.6 (MANE Select); coding-DNA position 1402, G replaced by A.
Protein change: p.Ala468Thr; replaces alanine 468 with threonine.
Molecular consequence: missense variant. On other transcripts: non-coding transcript variant (1).
Genome position (GRCh38, 1-based): chr17:74,310,071, G>A. VCF-style: chr17-74310071-G-A. GRCh37 (hg19) VCF-style: chr17-72306210-G-A.
Other names: c.1366G>A, p.Ala456Thr (NM_001172810.3); c.1402G>A, p.Ala468Thr (NM_001353167.2); short protein forms A456T, A468T.
Identifiers: ClinVar variation 2183811 (VCV002183811.1), dbSNP rs775110998, ClinGen allele CA8745769.

ClinVar aggregate classification (germline): Uncertain significance (1 of 4 stars; one submission).

Conditions:
Primary ciliary dyskinesia. Also called: Ciliary dyskinesia. Identifiers: Orphanet 244, MedGen C0008780, MONDO:0016575, HP:0012265.

Allele frequency attached by ClinVar (database versions not stated): gnomAD 0.00002.
gnomAD v4.1: 30 of 1,613,748 alleles (0.0019%); highest among the groups gnomAD compares: Non-Finnish European, 0.0025%; no homozygotes.

Submission:

Labcorp Genetics (formerly Invitae), Labcorp
Classification: Uncertain significance for Primary ciliary dyskinesia. Last evaluated: 2021-08-30. Review status: criteria provided, single submitter. Criteria: Invitae Variant Classification Sherloc (09022015). Collection method: clinical testing. Allele origin: germline.
Comment: This sequence change replaces alanine with threonine at codon 468 of the DNAI2 protein (p.Ala468Thr). The alanine residue is moderately conserved and there is a small physicochemical difference between alanine and threonine. This variant is present in population databases (rs775110998, ExAC 0.01%). This variant has not been reported in the literature in individuals affected with DNAI2-related conditions. Algorithms developed to predict the effect of missense changes on protein structure and function are either unavailable or do not agree on the potential impact of this missense change (SIFT: "Deleterious"; PolyPhen-2: "Possibly Damaging"; Align-GVGD: "Class C0"). In summary, the available evidence is currently insufficient to determine the role of this variant in disease. Therefore, it has been classified as a Variant of Uncertain Significance.